The following is an entry in ClinVar:

GRCh38/hg38 16p13.11(chr16:14816348-16148900)x3

Genes: ABCC1 (ATP binding cassette subfamily C member 1 (ABCC1 blood group); plus strand), BMERB1 (bMERB domain containing 1; plus strand), CEP20 (centrosomal protein 20; minus strand), MARF1 (meiosis regulator and mRNA stability factor 1; minus strand), MIR1972-1 (microRNA 1972-1; minus strand) and 38 more. Cytogenetic location: 16p13.11.
Variant type: copy number gain.
Change: copy number 3 (three copies instead of two) of chr16:14,816,348-16,148,900 (1.33 Mb, GRCh38 coordinates, 1-based), cytogenetic band 16p13.11.
Identifiers: ClinVar variation 57655 (VCV000057655.2).

ClinVar aggregate classification (germline): Uncertain significance (1 of 4 stars; one submission).

Submission:

ISCA Site 6
Classification: Uncertain significance. Last evaluated: 2011-08-12. Review status: criteria provided, single submitter. Criteria: Kaminsky et al. (Genet Med. 2011). Collection method: clinical testing. Allele origin: maternal. Affected: yes. Observed: 1 variant allele.
Comment: Copy number variation identified through the course of routine clinical cytogenomic testing in postnatal populations. Clinical assertions have been curated as described in Kaminsky et al. 2011.